The following is an entry in ClinVar:

NM_000352.6(ABCC8):c.1412C>T (p.Ala471Val)

Gene: ABCC8 (ATP binding cassette subfamily C member 8; minus strand). Cytogenetic location: 11p15.1.
Variant type: single nucleotide variant.
Coding change: c.1412C>T on transcript NM_000352.6 (MANE Select); coding-DNA position 1412, C replaced by T.
Protein change: p.Ala471Val; replaces alanine 471 with valine.
Molecular consequence: missense variant. On other transcripts: non-coding transcript variant (1).
Genome position (GRCh38, 1-based): chr11:17,443,233, G>A on the plus strand (C>T on the coding strand, the complement: ABCC8 is on the minus strand). VCF-style: chr11-17443233-G-A. GRCh37 (hg19) VCF-style: chr11-17464780-G-A.
Other names: NM_000352.6(ABCC8):c.1412C>T; p.Ala471Val; c.1412C>T, p.Ala471Val (NM_001287174.3, NM_001351295.2); c.1409C>T, p.Ala470Val (NM_001351296.2, NM_001351297.2); short protein forms A470V, A471V.
Identifiers: ClinVar variation 991054 (VCV000991054.4), dbSNP rs780283224, ClinGen allele CA5903588.

ClinVar aggregate classification (germline): Uncertain significance. Review status: criteria provided, multiple submitters, no conflicts (2 of 4 stars). 3 submissions from 3 submitters: Uncertain significance (2). 1 of the submissions does not count toward it. Last evaluated 2024-01-29.

Conditions:
Diabetes mellitus, transient neonatal, 2 (TNDM2). Identifiers: Orphanet 99886, MedGen C1835887, MONDO:0012480, OMIM 610374. Disease mechanism: loss of function.
Type 2 diabetes mellitus. Also called: Type II diabetes mellitus. Identifiers: MedGen C0011860, MeSH D003924, MONDO:0005148, OMIM 125853, HP:0005978.
Diabetes mellitus, permanent neonatal 3. Also called: ABCC8-Related Permanent Neonatal Diabetes Mellitus. Identifiers: MedGen C5394303, MONDO:0030088, OMIM 618857.
Hyperinsulinemic hypoglycemia, familial, 1 (HHF1). Also called: HYPERINSULINISM, FAMILIAL, WITH PANCREATIC NESIDIOBLASTOSIS; HYPOGLYCEMIA, HYPERINSULINEMIC, OF INFANCY; Persistent hyperinsulinemic hypoglycemia of infancy; Persistent Hyperinsulinemia Hypoglycemia of Infancy; NESIDIOBLASTOSIS OF PANCREAS. Identifiers: Orphanet 276575, Orphanet 276598, MedGen C2931832, MONDO:0009734, OMIM 256450.
Leucine-induced hypoglycemia (LIH). Also called: LEUCINE-SENSITIVE HYPOGLYCEMIA OF INFANCY. Identifiers: MedGen C0271714, MONDO:0009415, OMIM 240800.
Hereditary hyperinsulinism.

Allele frequency attached by ClinVar (database versions not stated): ExAC 0.00001; gnomAD 0.00001; gnomAD exomes 0.00001; TOPMed 0.00001.
gnomAD v4.1: 5 of 1,614,072 alleles (0.00031%); highest among the groups gnomAD compares: East Asian, 0.011%; no homozygotes.

Submissions (3):

Fulgent Genetics
Classification: Uncertain significance for Type 2 diabetes mellitus; Leucine-induced hypoglycemia; Hyperinsulinemic hypoglycemia, familial, 1; Diabetes mellitus, transient neonatal, 2; Diabetes mellitus, permanent neonatal 3. Last evaluated: 2024-01-29. Review status: criteria provided, single submitter. Criteria: ACMG Guidelines, 2015. Collection method: clinical testing. Allele origin: germline.

Broad Center for Mendelian Genomics, Broad Institute of MIT and Harvard
Classification: Uncertain significance for Hyperinsulinemic hypoglycemia, familial, 1. Last evaluated: 2023-08-16. Review status: criteria provided, single submitter. Criteria: ACMG Guidelines, 2015. Collection method: curation. Allele origin: germline. Inheritance: Autosomal recessive inheritance.
Comment: The p.Ala471Val variant in ABCC8 has been previously reported in 1 individual with hyperinsulinemic hypoglycemia (PMID: 32851339), and has been seen in 0.02% (4/19954) of East Asian chromosomes by the Genome Aggregation Database (gnomAD; dbSNP: rs780283224). Although this variant has been seen in the general population in a heterozygous state, its frequency is not high enough to rule out a pathogenic role. This variant has also been reported in ClinVar (Variation ID: 991054) and has been interpreted as a variant of uncertain significance by Natera, Inc. Computational prediction tools and conservation analyses do not provide strong support for or against an impact to the protein. In summary, the clinical significance of the p.Ala471Val variant is uncertain. ACMG/AMP Criteria applied: none (Richards 2015).

Natera, Inc.
Classification: Uncertain significance for Hereditary hyperinsulinism. Last evaluated: 2020-04-10. Review status: no assertion criteria provided. Collection method: clinical testing. Allele origin: germline. Not counted in ClinVar's aggregate classification.